The following is an entry in ClinVar:

GRCh38/hg38 1q42.13-42.2(chr1:229883805-231517553)x3

Genes: AGT (angiotensinogen; minus strand), ARV1 (ARV1 homolog, fatty acid homeostasis modulator; plus strand), C1orf198 (chromosome 1 open reading frame 198; minus strand), CAPN9 (calpain 9; plus strand), COG2 (component of oligomeric golgi complex 2; plus strand) and 63 more. Cytogenetic location: 1q42.13-42.2.
Variant type: copy number gain.
Change: copy number 3 (three copies instead of two) of chr1:229,883,805-231,517,553 (1.63 Mb, GRCh38 coordinates, 1-based), cytogenetic band 1q42.13-42.2.
Identifiers: ClinVar variation 57819 (VCV000057819.1).

ClinVar aggregate classification (germline): Uncertain significance (1 of 4 stars; one submission).

Submission:

ISCA site 17
Classification: Uncertain significance. Last evaluated: 2011-08-12. Review status: criteria provided, single submitter. Criteria: Kaminsky et al. (Genet Med. 2011). Collection method: clinical testing. Allele origin: maternal. Affected: yes. Observed: 1 variant allele.
Comment: Copy number variation identified through the course of routine clinical cytogenomic testing in postnatal populations. Clinical assertions have been curated as described in Kaminsky et al. 2011.